The following is an entry in ClinVar:

NM_000722.4(CACNA2D1):c.810A>C (p.Lys270Asn)

Gene: CACNA2D1 (calcium voltage-gated channel auxiliary subunit alpha2delta 1; minus strand). Cytogenetic location: 7q21.11.
Variant type: single nucleotide variant.
Coding change: c.810A>C on transcript NM_000722.4 (MANE Select); coding-DNA position 810, A replaced by C.
Protein change: p.Lys270Asn; replaces lysine 270 with asparagine.
Molecular consequence: missense variant.
Genome position (GRCh38, 1-based): chr7:82,060,497, T>G on the plus strand (A>C on the coding strand, the complement: CACNA2D1 is on the minus strand). VCF-style: chr7-82060497-T-G. GRCh37 (hg19) VCF-style: chr7-81689813-T-G.
Other names: c.810A>C, p.Lys270Asn (NM_001302890.2, NM_001366867.1); short protein forms K270N.
Identifiers: ClinVar variation 1359340 (VCV001359340.11), dbSNP rs779135778, ClinGen allele CA368016258.

ClinVar aggregate classification (germline): Uncertain significance. Review status: criteria provided, multiple submitters, no conflicts (2 of 4 stars). 2 submissions from 2 submitters: Uncertain significance (2). Last evaluated 2025-10-27.

Conditions:
Cardiovascular phenotype. Identifiers: MedGen CN230736.
Brugada syndrome. Also called: Sudden Unexplained Death Syndrome; Sudden Unexplained Nocturnal Death Syndrome (SUNDS); Sudden unexpected nocturnal death syndrome; Sudden unexplained nocturnal death syndrome. Identifiers: Orphanet 130, MedGen C1142166, MONDO:0015263.

Allele frequency attached by ClinVar (database versions not stated): gnomAD exomes below 0.00001 and 0.00001; TOPMed below 0.00001; gnomAD 0.00001.
gnomAD v4.1: 13 of 1,609,490 alleles (0.00081%); highest among the groups gnomAD compares: Non-Finnish European, 0.0011%; no homozygotes.

Submissions (2):

Ambry Genetics
Classification: Uncertain significance for Cardiovascular phenotype. Last evaluated: 2025-10-27. Review status: criteria provided, single submitter. Criteria: Ambry Variant Classification Scheme 2023. Collection method: clinical testing. Allele origin: germline.
Comment: The p.K270N variant (also known as c.810A>C), located in coding exon 10 of the CACNA2D1 gene, results from an A to C substitution at nucleotide position 810. The lysine at codon 270 is replaced by asparagine, an amino acid with similar properties. This amino acid position is conserved. In addition, this alteration is predicted to be tolerated by in silico analysis. Since supporting evidence is limited at this time, the clinical significance of this alteration remains unclear.

Labcorp Genetics (formerly Invitae), Labcorp
Classification: Uncertain significance for Brugada syndrome. Last evaluated: 2021-04-14. Review status: criteria provided, single submitter. Criteria: Invitae Variant Classification Sherloc (09022015). Collection method: clinical testing. Allele origin: germline.
Comment: This sequence change replaces lysine with asparagine at codon 270 of the CACNA2D1 protein (p.Lys270Asn). The lysine residue is highly conserved and there is a moderate physicochemical difference between lysine and asparagine. This variant is not present in population databases (ExAC no frequency). This variant has not been reported in the literature in individuals with CACNA2D1-related conditions. Algorithms developed to predict the effect of missense changes on protein structure and function are either unavailable or do not agree on the potential impact of this missense change (SIFT: "Tolerated"; PolyPhen-2: "Possibly Damaging"; Align-GVGD: "Class C25"). In summary, the available evidence is currently insufficient to determine the role of this variant in disease. Therefore, it has been classified as a Variant of Uncertain Significance.